The following is an entry in ClinVar:

ClinVar aggregate classification (germline): Likely benign (0 of 4 stars; one submission).

Conditions:
GPX4-related disorder. Also called: GPX4-related condition.

Allele frequency attached by ClinVar (database versions not stated): gnomAD 0.00008; TOPMed 0.00010.
gnomAD v4.1: 156 of 1,518,600 alleles (0.01%); highest among the groups gnomAD compares: Middle Eastern, 0.092%; no homozygotes.

Submission:

PreventionGenetics, part of Exact Sciences
Classification: Likely benign for GPX4-related condition. Last evaluated: 2019-07-22. Review status: no assertion criteria provided. Collection method: clinical testing. Allele origin: germline.
Comment: This variant is classified as likely benign based on ACMG/AMP sequence variant interpretation guidelines (Richards et al. 2015 PMID: 25741868, with internal and published modifications).

NM_002085.5(GPX4):c.-6G>A

Genes: GPX4 (glutathione peroxidase 4; plus strand), LOC130062887 (ATAC-STARR-seq lymphoblastoid silent region 9665; plus strand). Cytogenetic location: 19p13.3.
Variant type: single nucleotide variant.
Coding change: c.-6G>A on transcript NM_002085.5 (MANE Select); 6 bases upstream of the start codon, G replaced by A.
Molecular consequence: 5 prime UTR variant.
Genome position (GRCh38, 1-based): chr19:1,104,038, G>A. VCF-style: chr19-1104038-G-A. GRCh37 (hg19) VCF-style: chr19-1104037-G-A.
Other names: c.-6G>A (NM_001039847.3).
Identifiers: ClinVar variation 3050529 (VCV003050529.2), dbSNP rs1053017810, ClinGen allele CA303992481.
Genomic context (GRCh38, chr19:1,104,038, plus strand): 5'-AAGCCGACGCGCGTCCATTGGTCGGCTGGACGAGGGGAGGAGCCGCTGGCTCCCAGCCCC[G>A]CCGCGATGAGCCTCGGCCGCCTTTGCCGCCTACTGAAGCCGGCGCTGCTCTGTGGGGCTC-3'